The following is an entry in ClinVar:

ClinVar aggregate classification (germline): Conflicting classifications of pathogenicity. Review status: criteria provided, conflicting classifications (1 of 4 stars). 7 submissions from 7 submitters: Uncertain significance (2); Likely benign (5). Last evaluated 2026-02-01.

Conditions:
Neurofibromatosis, type 2 (SWNV). Also called: SCHWANNOMATOSIS, VESTIBULAR; NF2-Related Schwannomatosis; BILATERAL ACOUSTIC NEUROFIBROMATOSIS. Identifiers: Orphanet 637, MedGen C0027832, MONDO:0007039, OMIM 101000. Disease mechanism: loss of function.
Hereditary cancer-predisposing syndrome. Also called: Hereditary neoplastic syndrome; Neoplastic Syndromes, Hereditary; Hereditary Cancer Syndrome; Tumor predisposition. Identifiers: Orphanet 140162, MedGen C0027672, MeSH D009386, MONDO:0015356.

Allele frequency attached by ClinVar (database versions not stated): ExAC 0.00002; gnomAD 0.00003 and 0.00004; gnomAD exomes 0.00004 and 0.00005; TOPMed 0.00005; ESP Exome Variant Server 0.00015.
gnomAD v4.1: 64 of 1,614,070 alleles (0.004%); highest among the groups gnomAD compares: Admixed American, 0.013%; no homozygotes.

Submissions (7):

CeGaT Center for Human Genetics Tuebingen
Classification: Uncertain significance. Last evaluated: 2026-02-01. Review status: criteria provided, single submitter. Criteria: CeGaT Center For Human Genetics Tuebingen Variant Classification Criteria Version 2. Collection method: clinical testing. Allele origin: germline. Affected: yes. Observed: 1 variant allele.

Labcorp Genetics (formerly Invitae), Labcorp
Classification: Likely benign for Neurofibromatosis, type 2. Last evaluated: 2025-12-03. Review status: criteria provided, single submitter. Criteria: Invitae Variant Classification Sherloc (09022015). Collection method: clinical testing. Allele origin: germline.

Color Diagnostics, LLC DBA Color Health
Classification: Likely benign for Neurofibromatosis, type 2. Last evaluated: 2022-11-06. Review status: criteria provided, single submitter. Criteria: ACMG Guidelines, 2015. Collection method: clinical testing. Allele origin: germline.

Sema4
Classification: Uncertain significance for Hereditary cancer-predisposing syndrome. Last evaluated: 2022-02-04. Review status: criteria provided, single submitter. Criteria: Sema4 Curation Guidelines. Collection method: curation. Allele origin: germline.
Comment: The NF2 c.325C>T (p.=) variant has not been reported in the literature to our knowledge. This variant was observed in 6/34592 chromosomes in the Latino population according to the Genome Aggregation Database (PMID: 32461654). This variant has been reported in ClinVar (Variation ID: 457915). The nucleotide is moderately conserved and in silico tools that predict the effect of sequence changes on splicing suggest that this variant may not impact splicing, though these predictions have not been confirmed by functional studies.The evidence is insufficient to meet ACMG/AMP criteria for classifying the variant as benign or pathogenic. Thus, the clinical significance of this variant is currently uncertain.

Genetic Services Laboratory, University of Chicago
Classification: Likely benign. Last evaluated: 2021-11-22. Review status: criteria provided, single submitter. Criteria: ACMG Guidelines, 2015. Collection method: clinical testing. Allele origin: germline. Affected: no.

Ambry Genetics
Classification: Likely benign for Hereditary cancer-predisposing syndrome. Last evaluated: 2018-03-23. Review status: criteria provided, single submitter. Criteria: Ambry Variant Classification Scheme 2023. Collection method: clinical testing. Allele origin: germline.

GeneDx
Classification: Likely benign. Last evaluated: 2017-06-02. Review status: criteria provided, single submitter. Criteria: GeneDx Variant Classification (06012015). Collection method: clinical testing. Allele origin: germline. Affected: yes.
Comment: This variant is considered likely benign or benign based on one or more of the following criteria: it is a conservative change, it occurs at a poorly conserved position in the protein, it is predicted to be benign by multiple in silico algorithms, and/or has population frequency not consistent with disease.

NM_000268.4(NF2):c.325C>T (p.Leu109=)

Gene: NF2 (NF2, moesin-ezrin-radixin like (MERLIN) tumor suppressor; plus strand). Cytogenetic location: 22q12.2.
Variant type: single nucleotide variant.
Coding change: c.325C>T on transcript NM_000268.4 (MANE Select); coding-DNA position 325, C replaced by T.
Protein change: p.Leu109=; no amino-acid change (leucine 109 retained).
Molecular consequence: synonymous variant. On other transcripts: non-coding transcript variant (1), intron variant (3).
Genome position (GRCh38, 1-based): chr22:29,639,174, C>T. VCF-style: chr22-29639174-C-T. GRCh37 (hg19) VCF-style: chr22-30035163-C-T.
Other names: c.325C>T, p.Leu109= (NM_016418.5, NM_181825.3, NM_181832.3 and 1 more transcripts); c.199C>T, p.Leu67= (NM_181828.3); c.240+2298C>T (NM_181829.3); c.115-3028C>T (NM_181830.3, NM_181831.3).
Identifiers: ClinVar variation 457915 (VCV000457915.23), dbSNP rs201603384, ClinGen allele CA030289.
Genomic context (GRCh38, chr22:29,639,174, plus strand): 5'-GAAGAACCAGTCACCTTTCACTTCTTGGCCAAATTTTATCCTGAGAATGCTGAAGAGGAG[C>T]TGGTTCAGGAGATCACACAACATTTATTCTTCTTACAGGTACATCAGTCAAGGCTACCCC-3'
Protein context (NP_000259.1, residues 99-119): KFYPENAEEE[Leu109=]VQEITQHLFF